The following is an entry in ClinVar:

NM_001844.5(COL2A1):c.4343C>T (p.Thr1448Ile)

Gene: COL2A1 (collagen type II alpha 1 chain; minus strand). Cytogenetic location: 12q13.11.
Variant type: single nucleotide variant.
Coding change: c.4343C>T on transcript NM_001844.5 (MANE Select); coding-DNA position 4343, C replaced by T.
Protein change: p.Thr1448Ile; replaces threonine 1448 with isoleucine.
Molecular consequence: missense variant.
Genome position (GRCh38, 1-based): chr12:47,973,528, G>A on the plus strand (C>T on the coding strand, the complement: COL2A1 is on the minus strand). VCF-style: chr12-47973528-G-A. GRCh37 (hg19) VCF-style: chr12-48367311-G-A.
Other names: c.4136C>T, p.Thr1379Ile (NM_033150.3); short protein forms T1379I, T1448I.
Identifiers: ClinVar variation 2504476 (VCV002504476.1), dbSNP rs1481212897, ClinGen allele CA384533316.

ClinVar aggregate classification (germline): Uncertain significance (1 of 4 stars; one submission).

Submission:

GeneDx
Classification: Uncertain significance. Last evaluated: 2022-11-25. Review status: criteria provided, single submitter. Criteria: GeneDx Variant Classification Process June 2021. Collection method: clinical testing. Allele origin: germline. Affected: yes.
Comment: Not observed at significant frequency in large population cohorts (gnomAD); In silico analysis supports that this missense variant has a deleterious effect on protein structure/function; Not located in the triple helical region, where the majority of pathogenic missense variants occur (HGMD); Has not been previously published as pathogenic or benign to our knowledge